The following is an entry in ClinVar:

ClinVar aggregate classification (germline): Likely benign. Review status: criteria provided, multiple submitters, no conflicts (2 of 4 stars). 2 submissions from 2 submitters: Likely benign (2). Last evaluated 2026-07-06.

Conditions:
Rhabdoid tumor predisposition syndrome 2 (RTPS2). Identifiers: Orphanet 231108, Orphanet 69077, MedGen C2750074, MONDO:0013224, OMIM 613325.

Submissions (2):

Myriad Genetics, Inc.
Classification: Likely benign for Rhabdoid tumor predisposition syndrome 2. Last evaluated: 2026-07-06. Review status: criteria provided, single submitter. Criteria: Myriad Autosomal Dominant, Autosomal Recessive and X-Linked Classification Criteria (2023). Collection method: clinical testing. Allele origin: unknown.
Comment: This variant is considered likely benign. This variant is intronic and is not expected to impact mRNA splicing.

Labcorp Genetics (formerly Invitae), Labcorp
Classification: Likely benign for Rhabdoid tumor predisposition syndrome 2. Last evaluated: 2025-12-24. Review status: criteria provided, single submitter. Criteria: Invitae Variant Classification Sherloc (09022015). Collection method: clinical testing. Allele origin: germline.

NM_003072.5(SMARCA4):c.761-9T>C

Gene: SMARCA4 (SWI/SNF related BAF chromatin remodeling complex subunit ATPase 4; plus strand). Cytogenetic location: 19p13.2.
Variant type: single nucleotide variant.
Coding change: c.761-9T>C on transcript NM_003072.5 (MANE Select); 9 bases into the intron before coding-DNA position 761, T replaced by C.
Molecular consequence: intron variant.
Genome position (GRCh38, 1-based): chr19:10,986,896, T>C. VCF-style: chr19-10986896-T-C. GRCh37 (hg19) VCF-style: chr19-11097572-T-C.
Other names: c.761-9T>C (NM_001128844.3, NM_001128849.3, NM_001128847.4 and 5 more transcripts).
Identifiers: ClinVar variation 470460 (VCV000470460.9), dbSNP rs1555754107, ClinGen allele CA658656751.